The following is an entry in ClinVar:

ClinVar aggregate classification (germline): Uncertain significance (1 of 4 stars; one submission).

Conditions:
Cardiovascular phenotype. Identifiers: MedGen CN230736.
Hereditary cancer-predisposing syndrome. Also called: Tumor predisposition; Neoplastic Syndromes, Hereditary; Hereditary Cancer Syndrome; Hereditary neoplastic syndrome. Identifiers: Orphanet 140162, MedGen C0027672, MeSH D009386, MONDO:0015356.

Submission:

Ambry Genetics
Classification: Uncertain significance for Cardiovascular phenotype; Hereditary cancer-predisposing syndrome. Last evaluated: 2025-01-06. Review status: criteria provided, single submitter. Criteria: Ambry Variant Classification Scheme 2023. Collection method: clinical testing. Allele origin: germline.
Comment: The p.G2358V variant (also known as c.7073G>T), located in coding exon 47 of the NF1 gene, results from a G to T substitution at nucleotide position 7073. The glycine at codon 2358 is replaced by valine, an amino acid with dissimilar properties. This amino acid position is conserved. In addition, this alteration is predicted to be deleterious by in silico analysis. Based on the available evidence, the clinical significance of this variant remains unclear.

NM_001042492.3(NF1):c.7136G>T (p.Gly2379Val)

Gene: NF1 (neurofibromin 1; plus strand). Cytogenetic location: 17q11.2.
Variant type: single nucleotide variant.
Coding change: c.7136G>T on transcript NM_001042492.3 (MANE Select); coding-DNA position 7136, G replaced by T.
Protein change: p.Gly2379Val; replaces glycine 2379 with valine.
Molecular consequence: missense variant.
Genome position (GRCh38, 1-based): chr17:31,343,082, G>T. VCF-style: chr17-31343082-G-T. GRCh37 (hg19) VCF-style: chr17-29670100-G-T.
Other names: c.7073G>T, p.Gly2358Val (NM_000267.4); short protein forms G2358V, G2379V.
Identifiers: ClinVar variation 3879047 (VCV003879047.1).